The following is an entry in ClinVar:

ClinVar aggregate classification (germline): Uncertain significance (1 of 4 stars; one submission).

Conditions:
Cardiovascular phenotype. Identifiers: MedGen CN230736.

gnomAD v4.1: 1 of 1,550,388 alleles (0.000064%); highest among the groups gnomAD compares: East Asian, 0.0024%; no homozygotes.

Submission:

Ambry Genetics
Classification: Uncertain significance for Cardiovascular phenotype. Last evaluated: 2026-03-29. Review status: criteria provided, single submitter. Criteria: Ambry Variant Classification Scheme 2023. Collection method: clinical testing. Allele origin: germline.
Comment: The p.E2003D variant (also known as c.6009G>T), located in coding exon 2 of the ZNF469 gene, results from a G to T substitution at nucleotide position 6009. The glutamic acid at codon 2003 is replaced by aspartic acid, an amino acid with highly similar properties. This amino acid position is conserved. In addition, this alteration is predicted to be tolerated by in silico analysis. Based on the available evidence, the clinical significance of this variant remains unclear.

NM_001367624.2(ZNF469):c.6093G>T (p.Glu2031Asp)

Gene: ZNF469 (zinc finger protein 469; plus strand). Cytogenetic location: 16q24.2.
Variant type: single nucleotide variant.
Coding change: c.6093G>T on transcript NM_001367624.2 (MANE Select); coding-DNA position 6093, G replaced by T.
Protein change: p.Glu2031Asp; replaces glutamic acid 2031 with aspartic acid.
Molecular consequence: missense variant.
Genome position (GRCh38, 1-based): chr16:88,433,563, G>T. VCF-style: chr16-88433563-G-T. GRCh37 (hg19) VCF-style: chr16-88499971-G-T.
Other names: NM_001127464.1:c.6009G>T; short protein forms E2031D.
Identifiers: ClinVar variation 4866977 (VCV004866977.1).